The following is an entry in ClinVar:

NM_001040108.2(MLH3):c.1675G>A (p.Glu559Lys)

Gene: MLH3 (mutL homolog 3; minus strand). Cytogenetic location: 14q24.3.
Variant type: single nucleotide variant.
Coding change: c.1675G>A on transcript NM_001040108.2 (MANE Select); coding-DNA position 1675, G replaced by A.
Protein change: p.Glu559Lys; replaces glutamic acid 559 with lysine.
Molecular consequence: missense variant.
Genome position (GRCh38, 1-based): chr14:75,047,981, C>T on the plus strand (G>A on the coding strand, the complement: MLH3 is on the minus strand). VCF-style: chr14-75047981-C-T. GRCh37 (hg19) VCF-style: chr14-75514684-C-T.
Other names: c.1675G>A, p.Glu559Lys (NM_014381.3); short protein forms E559K.
Identifiers: ClinVar variation 3232452 (VCV003232452.1), dbSNP rs2503289777, ClinGen allele CA390444657.

ClinVar aggregate classification (germline): Uncertain significance (1 of 4 stars; one submission).

Submission:

Ambry Genetics
Classification: Uncertain significance. Last evaluated: 2023-12-29. Review status: criteria provided, single submitter. Criteria: Ambry Variant Classification Scheme 2023. Collection method: clinical testing. Allele origin: germline.
Comment: The p.E559K variant (also known as c.1675G>A), located in coding exon 1 of the MLH3 gene, results from a G to A substitution at nucleotide position 1675. The glutamic acid at codon 559 is replaced by lysine, an amino acid with similar properties. This amino acid position is conserved. In addition, this alteration is predicted to be tolerated by in silico analysis. Since supporting evidence is limited at this time, the clinical significance of this alteration remains unclear.